The following is an entry in ClinVar:

NM_000091.5(COL4A3):c.4597_4600dup (p.Ala1534fs)

Genes: COL4A3 (collagen type IV alpha 3 chain; plus strand), MFF-DT (MFF divergent transcript; minus strand). Cytogenetic location: 2q36.3.
Variant type: Duplication.
Coding change: c.4597_4600dup on transcript NM_000091.5 (MANE Select); coding-DNA positions 4597 to 4600, 4 bases duplicated (ATGG; older notation c.4597_4600dupATGG).
Protein change: p.Ala1534fs; shifts the reading frame from alanine 1534.
Molecular consequence: frameshift variant.
Genome position (GRCh38, 1-based): chr2:227,309,033-227,309,036, ATGG duplicated. VCF-style (leftmost placement, unchanged base first): chr2-227309032-C-CATGG. GRCh37 (hg19) VCF-style: chr2-228173748-C-CATGG.
Other names: short protein forms A1534fs.
Identifiers: ClinVar variation 5014193 (VCV005014193.1).

ClinVar aggregate classification (germline): Pathogenic (1 of 4 stars; one submission).

Conditions:
Alport syndrome. Also called: Hemorrhagic familial nephritis; Hemorrhagic hereditary nephritis; Congenital hereditary hematuria. Identifiers: Orphanet 63, MedGen C1567741, MONDO:0018965.

Submission:

Myriad Genetics, Inc.
Classification: Pathogenic for Alport syndrome. Last evaluated: 2025-03-08. Review status: criteria provided, single submitter. Criteria: Myriad Autosomal Dominant, Autosomal Recessive and X-Linked Classification Criteria (2023). Collection method: clinical testing. Allele origin: unknown.
Comment: NM_000091.4(COL4A3):c.4597_4600dupATGG(A1534Dfs*10) is expected to be pathogenic in the context of Alport syndrome, COL4A3-related. This variant is predicted to lead to an abnormal or absent protein product due to the creation of a premature termination codon in COL4A3, a gene where loss-of-function variants are known to be pathogenic. Please note: this variant was assessed in the context of healthy population screening.